The following is an entry in ClinVar:

NM_003072.5(SMARCA4):c.1274G>A (p.Arg425Gln)

Gene: SMARCA4 (SWI/SNF related BAF chromatin remodeling complex subunit ATPase 4; plus strand). Cytogenetic location: 19p13.2.
Variant type: single nucleotide variant.
Coding change: c.1274G>A on transcript NM_003072.5 (MANE Select); coding-DNA position 1274, G replaced by A.
Protein change: p.Arg425Gln; replaces arginine 425 with glutamine.
Molecular consequence: missense variant. On other transcripts: non-coding transcript variant (1).
Genome position (GRCh38, 1-based): chr19:10,991,178, G>A. VCF-style: chr19-10991178-G-A. GRCh37 (hg19) VCF-style: chr19-11101854-G-A.
Other names: c.1274G>A, p.Arg425Gln (NM_001128844.3, NM_001128845.2, NM_001128846.2 and 5 more transcripts); short protein forms R425Q.
Identifiers: ClinVar variation 567431 (VCV000567431.17), dbSNP rs377549345, ClinGen allele CA9203745.

ClinVar aggregate classification (germline): Conflicting classifications of pathogenicity. Review status: criteria provided, conflicting classifications (1 of 4 stars). 4 submissions from 4 submitters: Uncertain significance (3); Likely benign (1). Last evaluated 2026-01-02.

Conditions:
Rhabdoid tumor predisposition syndrome 2 (RTPS2). Identifiers: Orphanet 231108, Orphanet 69077, MedGen C2750074, MONDO:0013224, OMIM 613325.
Hereditary cancer-predisposing syndrome. Also called: Neoplastic Syndromes, Hereditary; Tumor predisposition; Hereditary neoplastic syndrome; Hereditary Cancer Syndrome. Identifiers: Orphanet 140162, MedGen C0027672, MeSH D009386, MONDO:0015356.

Allele frequency attached by ClinVar (database versions not stated): gnomAD exomes below 0.00001 and 0.00001; TOPMed below 0.00001; ExAC 0.00002; ESP Exome Variant Server 0.00008.
gnomAD v4.1: 3 of 1,613,868 alleles (0.00019%); highest among the groups gnomAD compares: Admixed American, 0.0017%; no homozygotes.

Submissions (4):

Labcorp Genetics (formerly Invitae), Labcorp
Classification: Uncertain significance for Rhabdoid tumor predisposition syndrome 2. Last evaluated: 2026-01-02. Review status: criteria provided, single submitter. Criteria: Invitae Variant Classification Sherloc (09022015). Collection method: clinical testing. Allele origin: germline.
Comment: This sequence change replaces arginine, which is basic and polar, with glutamine, which is neutral and polar, at codon 425 of the SMARCA4 protein (p.Arg425Gln). This variant is present in population databases (rs377549345, gnomAD 0.003%). This variant has not been reported in the literature in individuals affected with SMARCA4-related conditions. ClinVar contains an entry for this variant (Variation ID: 567431). Invitae Evidence Modeling of protein sequence and biophysical properties (such as structural, functional, and spatial information, amino acid conservation, physicochemical variation, residue mobility, and thermodynamic stability) indicates that this missense variant is expected to disrupt SMARCA4 protein function with a positive predictive value of 95%. In summary, the available evidence is currently insufficient to determine the role of this variant in disease. Therefore, it has been classified as a Variant of Uncertain Significance.

Ambry Genetics
Classification: Likely benign for Hereditary cancer-predisposing syndrome. Last evaluated: 2025-09-02. Review status: criteria provided, single submitter. Criteria: Ambry Variant Classification Scheme 2023. Collection method: clinical testing. Allele origin: germline.

GeneDx
Classification: Uncertain significance. Last evaluated: 2024-02-20. Review status: criteria provided, single submitter. Criteria: GeneDx Variant Classification Process June 2021. Collection method: clinical testing. Allele origin: germline. Affected: yes.
Comment: In silico analysis supports that this missense variant has a deleterious effect on protein structure/function; Has not been previously published as pathogenic or benign to our knowledge

Quest Diagnostics Nichols Institute San Juan Capistrano
Classification: Uncertain significance. Last evaluated: 2024-02-13. Review status: criteria provided, single submitter. Criteria: Quest Diagnostics criteria. Collection method: clinical testing. Allele origin: unknown.
Comment: The SMARCA4 c.1274G>A (p.Arg425Gln) variant has not been reported in individuals with SMARCA4-related conditions in the published literature. The frequency of this variant in the general population, 0.000012 (3/249876 chromosomes (Genome Aggregation Database)), is uninformative in the assessment of its pathogenicity. Analysis of this variant using bioinformatics tools for the prediction of the effect of amino acid changes on protein structure and function yielded conflicting predictions that this variant is benign or damaging. Based on the available information, we are unable to determine the clinical significance of this variant.